The following is an entry in ClinVar:

ClinVar aggregate classification (germline): Uncertain significance. Review status: criteria provided, single submitter (1 of 4 stars). 2 submissions from 2 submitters: Uncertain significance (1). 1 of the submissions does not count toward it. Last evaluated 2023-09-04.

Conditions:
Schuurs-Hoeijmakers syndrome. Also called: PACS1-Related Neurodevelopmental Disorder. Identifiers: Orphanet 329224, MedGen C3554343, MONDO:0014006, OMIM 615009.
PACS1-related disorder. Also called: PACS1-related condition.

Submissions (2):

Labcorp Genetics (formerly Invitae), Labcorp
Classification: Uncertain significance for Schuurs-Hoeijmakers syndrome. Last evaluated: 2023-09-04. Review status: criteria provided, single submitter. Criteria: Invitae Variant Classification Sherloc (09022015). Collection method: clinical testing. Allele origin: germline.
Comment: This variant has not been reported in the literature in individuals affected with PACS1-related conditions. This variant is not present in population databases (gnomAD no frequency). This sequence change replaces leucine, which is neutral and non-polar, with isoleucine, which is neutral and non-polar, at codon 869 of the PACS1 protein (p.Leu869Ile). In summary, the available evidence is currently insufficient to determine the role of this variant in disease. Therefore, it has been classified as a Variant of Uncertain Significance. Advanced modeling of protein sequence and biophysical properties (such as structural, functional, and spatial information, amino acid conservation, physicochemical variation, residue mobility, and thermodynamic stability) performed at Invitae indicates that this missense variant is not expected to disrupt PACS1 protein function.

PreventionGenetics, part of Exact Sciences
Classification: Uncertain significance for PACS1-related condition. Last evaluated: 2024-08-10. Review status: no assertion criteria provided. Collection method: clinical testing. Allele origin: germline. Not counted in ClinVar's aggregate classification.
Comment: The PACS1 c.2605C>A variant is predicted to result in the amino acid substitution p.Leu869Ile. To our knowledge, this variant has not been reported in the literature or in a large population database, indicating this variant is rare. At this time, the clinical significance of this variant is uncertain due to the absence of conclusive functional and genetic evidence.

NM_018026.4(PACS1):c.2605C>A (p.Leu869Ile)

Gene: PACS1 (phosphofurin acidic cluster sorting protein 1; plus strand). Cytogenetic location: 11q13.2.
Variant type: single nucleotide variant.
Coding change: c.2605C>A on transcript NM_018026.4 (MANE Select); coding-DNA position 2605, C replaced by A.
Protein change: p.Leu869Ile; replaces leucine 869 with isoleucine.
Molecular consequence: missense variant.
Genome position (GRCh38, 1-based): chr11:66,241,602, C>A. VCF-style: chr11-66241602-C-A. GRCh37 (hg19) VCF-style: chr11-66009073-C-A.
Other names: c.2605C>A (NM_018026.3); short protein forms L869I.
Identifiers: ClinVar variation 2779465 (VCV002779465.4), dbSNP rs1855816644, ClinGen allele CA381383079.